The following is an entry in ClinVar:

ClinVar aggregate classification (germline): Pathogenic (1 of 4 stars; one submission).

Conditions:
Citrin deficiency. Identifiers: Orphanet 247582, MedGen C1997910, MONDO:0016602.

Allele frequency attached by ClinVar (database versions not stated): gnomAD exomes below 0.00001.

Submission:

Labcorp Genetics (formerly Invitae), Labcorp
Classification: Pathogenic for Citrin deficiency. Last evaluated: 2021-07-19. Review status: criteria provided, single submitter. Criteria: Invitae Variant Classification Sherloc (09022015). Collection method: clinical testing. Allele origin: germline.
Comment: This sequence change creates a premature translational stop signal (p.Val538*) in the SLC25A13 gene. It is expected to result in an absent or disrupted protein product. Loss-of-function variants in SLC25A13 are known to be pathogenic (PMID: 10369257, 14680984, 27405544). For these reasons, this variant has been classified as Pathogenic. This variant has not been reported in the literature in individuals affected with SLC25A13-related conditions. This variant is not present in population databases (ExAC no frequency).

Literature cited by the submitters: PubMed 10369257; PubMed 14680984; PubMed 27405544.

NM_014251.3(SLC25A13):c.1612del (p.Leu537_Val538insTer)

Gene: SLC25A13 (solute carrier family 25 member 13; minus strand). Cytogenetic location: 7q21.3.
Variant type: Deletion.
Coding change: c.1612del on transcript NM_014251.3 (MANE Select); coding-DNA position 1612, one base deleted (G; older notation c.1612delG).
Protein change: p.Leu537_Val538insTer.
Molecular consequence: nonsense. On other transcripts: non-coding transcript variant (1).
Genome position (GRCh38, 1-based): chr7:96,121,977, C deleted on the plus strand (G on the coding strand, the reverse complement: SLC25A13 is on the minus strand). VCF-style (leftmost placement, unchanged base first): chr7-96121976-AC-A. GRCh37 (hg19) VCF-style: chr7-95751288-AC-A.
Other names: c.1615del, p.Leu538_Val539insTer (NM_001160210.2).
Identifiers: ClinVar variation 1385282 (VCV001385282.6), dbSNP rs2116384695, ClinGen allele CA2573142524.